The following is an entry in ClinVar:

NM_004329.3(BMPR1A):c.1217G>T (p.Arg406Leu)

Gene: BMPR1A (bone morphogenetic protein receptor type 1A; plus strand). Cytogenetic location: 10q23.2.
Variant type: single nucleotide variant.
Coding change: c.1217G>T on transcript NM_004329.3 (MANE Select); coding-DNA position 1217, G replaced by T.
Protein change: p.Arg406Leu; replaces arginine 406 with leucine.
Molecular consequence: missense variant.
Genome position (GRCh38, 1-based): chr10:86,921,570, G>T. VCF-style: chr10-86921570-G-T. GRCh37 (hg19) VCF-style: chr10-88681327-G-T.
Other names: short protein forms R406L.
Identifiers: ClinVar variation 545692 (VCV000545692.16), dbSNP rs587780107, ClinGen allele CA377461985.

ClinVar aggregate classification (germline): Uncertain significance. Review status: criteria provided, multiple submitters, no conflicts (2 of 4 stars). 5 submissions from 5 submitters: Uncertain significance (5). Last evaluated 2025-04-02.

Conditions:
Hereditary cancer-predisposing syndrome. Also called: Neoplastic Syndromes, Hereditary; Hereditary neoplastic syndrome; Tumor predisposition; Hereditary Cancer Syndrome. Identifiers: Orphanet 140162, MedGen C0027672, MeSH D009386, MONDO:0015356.
Juvenile polyposis syndrome (JPS). Identifiers: Orphanet 2929, MedGen C0345893, MONDO:0017380, OMIM 174900.

Submissions (5):

GeneDx
Classification: Uncertain significance. Last evaluated: 2025-04-02. Review status: criteria provided, single submitter. Criteria: GeneDx Variant Classification Process June 2021. Collection method: clinical testing. Allele origin: germline. Affected: yes.
Comment: Not observed at significant frequency in large population cohorts (gnomAD); In silico analysis supports that this missense variant has a deleterious effect on protein structure/function; Published functional studies demonstrate a damaging effect: reduced cell viability and downregulated expression of Sox9 (PMID: 31493347); Observed homozygous in a patient with atrial septal defect, severe subglottic stenosis, laryngomalacia, facial dysmorphisms, developmental delays, and skeletal anomalies (PMID: 31493347); This variant is associated with the following publications: (PMID: 32522605, 27535533, 36622051, 37275223, 37457289, 31493347)

Ambry Genetics
Classification: Uncertain significance for Hereditary cancer-predisposing syndrome. Last evaluated: 2025-01-15. Review status: criteria provided, single submitter. Criteria: Ambry Variant Classification Scheme 2023. Collection method: clinical testing. Allele origin: germline.
Comment: The p.R406L variant (also known as c.1217G>T), located in coding exon 9 of the BMPR1A gene, results from a G to T substitution at nucleotide position 1217. The arginine at codon 406 is replaced by leucine, an amino acid with dissimilar properties. In this same study, authors demonstrated reduced cell viability for this variant compared to wild type, but function was not reduced. While p.R406L did have impaired ability to activate a noncanonical BMP signaling pathway, it is unclear what role, if any, this pathway plays in polyposis, colorectal cancer, or disease progression (Russell BE et al. Mol Genet Genomic Med, 2019 11;7:e969). This amino acid position is highly conserved in available vertebrate species. In addition, this alteration is predicted to be deleterious by in silico analysis. Based on the available evidence, the clinical significance of this variant remains unclear.

All of Us Research Program, National Institutes of Health
Classification: Uncertain significance for Juvenile polyposis syndrome. Last evaluated: 2024-09-23. Review status: criteria provided, single submitter. Criteria: ACMG Guidelines, 2015. Collection method: clinical testing. Allele origin: germline. Inheritance: Autosomal dominant inheritance. Observed: 1 variant allele, 1 heterozygote.
Comment: This study involves interpretation of variants in research participants for the purpose of population health screening. Participant phenotype was not available at the time of variant classification. Additional details can be found in publication PMID: 35346344, PMCID: PMC8962531

Labcorp Genetics (formerly Invitae), Labcorp
Classification: Uncertain significance for Juvenile polyposis syndrome. Last evaluated: 2021-09-10. Review status: criteria provided, single submitter. Criteria: Invitae Variant Classification Sherloc (09022015). Collection method: clinical testing. Allele origin: germline.
Comment: This sequence change replaces arginine with leucine at codon 406 of the BMPR1A protein (p.Arg406Leu). The arginine residue is highly conserved and there is a moderate physicochemical difference between arginine and leucine. This variant is not present in population databases (ExAC no frequency). This variant has not been reported in the literature in individuals affected with BMPR1A-related conditions. ClinVar contains an entry for this variant (Variation ID: 545692). Algorithms developed to predict the effect of missense changes on protein structure and function (SIFT, PolyPhen-2, Align-GVGD) all suggest that this variant is likely to be disruptive. In summary, the available evidence is currently insufficient to determine the role of this variant in disease. Therefore, it has been classified as a Variant of Uncertain Significance.

Color Diagnostics, LLC DBA Color Health
Classification: Uncertain significance for Hereditary cancer-predisposing syndrome. Last evaluated: 2019-03-19. Review status: criteria provided, single submitter. Criteria: ACMG Guidelines, 2015. Collection method: clinical testing. Allele origin: germline.

Literature cited by the submitters: PubMed 31493347 (cited by Ambry Genetics).